The following is an entry in ClinVar:

NM_001374353.1(GLI2):c.3679C>T (p.His1227Tyr)

Gene: GLI2 (GLI family zinc finger 2; plus strand). Cytogenetic location: 2q14.2.
Variant type: single nucleotide variant.
Coding change: c.3679C>T on transcript NM_001374353.1 (MANE Select); coding-DNA position 3679, C replaced by T.
Protein change: p.His1227Tyr; replaces histidine 1227 with tyrosine.
Molecular consequence: missense variant.
Genome position (GRCh38, 1-based): chr2:120,989,644, C>T. VCF-style: chr2-120989644-C-T. GRCh37 (hg19) VCF-style: chr2-121747220-C-T.
Other names: c.3730C>T, p.His1244Tyr (NM_001371271.1, NM_005270.5); c.3304C>T, p.His1102Tyr (NM_001374354.1); short protein forms H1102Y, H1227Y, H1244Y.
Identifiers: ClinVar variation 2577731 (VCV002577731.2), dbSNP rs1683188932, ClinGen allele CA348175756.
Genomic context (GRCh38, chr2:120,989,644, plus strand): 5'-CAGCTGCGACAGCCAGTGGCAGGCAGCCAGTGTCCTGGCATGACTACCACTATGAGCCCC[C>T]ATGCCTGCTATGGCCAAGTCCACCCCCAGCTGAGCCCCAGCACCATCAGTGGGGCCCTCA-3'
Protein context (NP_001361282.1, residues 1217-1237): CPGMTTTMSP[His1227Tyr]ACYGQVHPQL

ClinVar aggregate classification (germline): Uncertain significance. Review status: criteria provided, multiple submitters, no conflicts (2 of 4 stars). 2 submissions from 2 submitters: Uncertain significance (2). Last evaluated 2024-07-09.

Conditions:
Inborn genetic diseases. Identifiers: MedGen C0950123, MeSH D030342.

Allele frequency attached by ClinVar (database versions not stated): TOPMed 0.00001.

Submissions (2):

Ambry Genetics
Classification: Uncertain significance for Inborn genetic diseases. Last evaluated: 2024-07-09. Review status: criteria provided, single submitter. Criteria: Ambry Variant Classification Scheme 2023. Collection method: clinical testing. Allele origin: germline.

GeneDx
Classification: Uncertain significance. Last evaluated: 2023-02-23. Review status: criteria provided, single submitter. Criteria: GeneDx Variant Classification Process June 2021. Collection method: clinical testing. Allele origin: germline. Affected: yes.
Comment: Not observed at significant frequency in large population cohorts (gnomAD); In silico analysis supports that this missense variant does not alter protein structure/function; Has not been previously published as pathogenic or benign to our knowledge